The following is an entry in ClinVar:

ClinVar aggregate classification (germline): Uncertain significance (1 of 4 stars; one submission).

Conditions:
Congenital myasthenic syndrome 15. Also called: Myasthenic syndrome, congenital, 15, without tubular aggregates. Identifiers: Orphanet 353327, Orphanet 590, MedGen C4015596, MONDO:0014542, OMIM 616227.

Submission:

Labcorp Genetics (formerly Invitae), Labcorp
Classification: Uncertain significance for Congenital myasthenic syndrome 15. Last evaluated: 2019-09-13. Review status: criteria provided, single submitter. Criteria: Invitae Variant Classification Sherloc (09022015). Collection method: clinical testing. Allele origin: germline.
Comment: In summary, the available evidence is currently insufficient to determine the role of this variant in disease. Therefore, it has been classified as a Variant of Uncertain Significance. Algorithms developed to predict the effect of missense changes on protein structure and function are either unavailable or do not agree on the potential impact of this missense change (SIFT: "Tolerated"; PolyPhen-2: "Probably Damaging"; Align-GVGD: "Class C0"). This variant has not been reported in the literature in individuals with ALG14-related conditions. This variant is not present in population databases (ExAC no frequency). This sequence change replaces glutamine with glutamic acid at codon 113 of the ALG14 protein (p.Gln113Glu). The glutamine residue is highly conserved and there is a small physicochemical difference between glutamine and glutamic acid.

NM_144988.4(ALG14):c.337C>G (p.Gln113Glu)

Gene: ALG14 (ALG14 UDP-N-acetylglucosaminyltransferase subunit; minus strand). Cytogenetic location: 1p21.3.
Variant type: single nucleotide variant.
Coding change: c.337C>G on transcript NM_144988.4 (MANE Select); coding-DNA position 337, C replaced by G.
Protein change: p.Gln113Glu; replaces glutamine 113 with glutamic acid.
Molecular consequence: missense variant. On other transcripts: non-coding transcript variant (1).
Genome position (GRCh38, 1-based): chr1:95,027,212, G>C on the plus strand (C>G on the coding strand, the complement: ALG14 is on the minus strand). VCF-style: chr1-95027212-G-C. GRCh37 (hg19) VCF-style: chr1-95492768-G-C.
Other names: c.374C>G, p.Ala125Gly (NM_001305242.2); short protein forms Q113E, A125G.
Identifiers: ClinVar variation 955716 (VCV000955716.9), dbSNP rs1204743597, ClinGen allele CA341364125.